The following is an entry in ClinVar:

ClinVar aggregate classification (germline): Uncertain significance (1 of 4 stars; one submission).

Conditions:
Primary familial hypertrophic cardiomyopathy (HCM). Identifiers: Orphanet 99739, MedGen C0949658, MeSH D024741, MONDO:0024573. Inheritance: Various modes of inheritance.
Hypertrophic cardiomyopathy 25 (CMH25). Also called: CARDIOMYOPATHY, FAMILIAL HYPERTROPHIC, 25. Identifiers: MedGen C4225408, MONDO:0011843, OMIM 607487.

Submission:

Labcorp Genetics (formerly Invitae), Labcorp
Classification: Uncertain significance for Hypertrophic cardiomyopathy 25; Primary familial hypertrophic cardiomyopathy. Last evaluated: 2023-02-22. Review status: criteria provided, single submitter. Criteria: Invitae Variant Classification Sherloc (09022015). Collection method: clinical testing. Allele origin: germline.
Comment: In summary, the available evidence is currently insufficient to determine the role of this variant in disease. Therefore, it has been classified as a Variant of Uncertain Significance. An algorithm developed to predict the effect of missense changes on protein structure and function (PolyPhen-2) suggests that this variant is likely to be tolerated. This variant has not been reported in the literature in individuals affected with TCAP-related conditions. This variant is not present in population databases (gnomAD no frequency). This sequence change replaces histidine, which is basic and polar, with arginine, which is basic and polar, at codon 41 of the TCAP protein (p.His41Arg).

NM_003673.4(TCAP):c.122A>G (p.His41Arg)

Gene: TCAP (titin-cap; plus strand). Cytogenetic location: 17q12.
Variant type: single nucleotide variant.
Coding change: c.122A>G on transcript NM_003673.4 (MANE Select); coding-DNA position 122, A replaced by G.
Protein change: p.His41Arg; replaces histidine 41 with arginine.
Molecular consequence: missense variant.
Genome position (GRCh38, 1-based): chr17:39,665,727, A>G. VCF-style: chr17-39665727-A-G. GRCh37 (hg19) VCF-style: chr17-37821980-A-G.
Other names: short protein forms H41R.
Identifiers: ClinVar variation 2933300 (VCV002933300.3), dbSNP rs2057249735, ClinGen allele CA399303468.